The following is an entry in ClinVar:

NM_182920.2(ADAMTS9):c.3515C>T (p.Pro1172Leu)

Gene: ADAMTS9 (ADAM metallopeptidase with thrombospondin type 1 motif 9; minus strand). Cytogenetic location: 3p14.1.
Variant type: single nucleotide variant.
Coding change: c.3515C>T on transcript NM_182920.2 (MANE Select); coding-DNA position 3515, C replaced by T.
Protein change: p.Pro1172Leu; replaces proline 1172 with leucine.
Molecular consequence: missense variant.
Genome position (GRCh38, 1-based): chr3:64,604,291, G>A on the plus strand (C>T on the coding strand, the complement: ADAMTS9 is on the minus strand). VCF-style: chr3-64604291-G-A. GRCh37 (hg19) VCF-style: chr3-64589967-G-A.
Other names: c.3431C>T, p.Pro1144Leu (NM_001318781.2); c.3515C>T (NM_182920.1); short protein forms P1144L, P1172L.
Identifiers: ClinVar variation 1469324 (VCV001469324.5), dbSNP rs182252105, ClinGen allele CA2480808.

ClinVar aggregate classification (germline): Uncertain significance. Review status: criteria provided, multiple submitters, no conflicts (2 of 4 stars). 2 submissions from 2 submitters: Uncertain significance (2). Last evaluated 2025-09-25.

Allele frequency attached by ClinVar (database versions not stated): gnomAD exomes 0.00006 and 0.00003; 1000 Genomes Project 0.00020; gnomAD 0.00005 and 0.00004; 1000 Genomes Project 30x 0.00016; ExAC 0.00002; TOPMed 0.00009.
gnomAD v4.1: 54 of 1,612,914 alleles (0.0033%); highest among the groups gnomAD compares: Admixed American, 0.023%; no homozygotes.

Submissions (2):

Ambry Genetics
Classification: Uncertain significance. Last evaluated: 2025-09-25. Review status: criteria provided, single submitter. Criteria: Ambry Variant Classification Scheme 2023. Collection method: clinical testing. Allele origin: germline.

Labcorp Genetics (formerly Invitae), Labcorp
Classification: Uncertain significance. Last evaluated: 2024-08-13. Review status: criteria provided, single submitter. Criteria: Invitae Variant Classification Sherloc (09022015). Collection method: clinical testing. Allele origin: germline.
Comment: This sequence change replaces proline, which is neutral and non-polar, with leucine, which is neutral and non-polar, at codon 1172 of the ADAMTS9 protein (p.Pro1172Leu). This variant is present in population databases (rs182252105, gnomAD 0.03%). This variant has not been reported in the literature in individuals affected with ADAMTS9-related conditions. ClinVar contains an entry for this variant (Variation ID: 1469324). An algorithm developed to predict the effect of missense changes on protein structure and function outputs the following: PolyPhen-2: "Benign". The leucine amino acid residue is found in multiple mammalian species, which suggests that this missense change does not adversely affect protein function. In summary, the available evidence is currently insufficient to determine the role of this variant in disease. Therefore, it has been classified as a Variant of Uncertain Significance.